The following is an entry in ClinVar:

NM_001005242.3(PKP2):c.253_256del (p.Glu85fs)

Gene: PKP2 (plakophilin 2; minus strand). Cytogenetic location: 12p11.21.
Variant type: Deletion.
Coding change: c.253_256del on transcript NM_001005242.3 (MANE Select); coding-DNA positions 253 to 256, 4 bases deleted (GAGT; older notation c.253_256delGAGT).
Protein change: p.Glu85fs; shifts the reading frame from glutamic acid 85.
Molecular consequence: frameshift variant.
Genome position (GRCh38, 1-based): chr12:32,879,000-32,879,003, ACTC deleted on the plus strand (GAGT on the coding strand, the reverse complement: PKP2 is on the minus strand); deleting any 4 consecutive bases within chr12:32,879,000-32,879,004 gives the same sequence; the c. name uses the placement nearest the transcript's 3' end. VCF-style (leftmost placement, unchanged base first): chr12-32878999-TACTC-T. GRCh37 (hg19) VCF-style: chr12-33031933-TACTC-T.
Other names: c.253_256del, p.Glu85fs (NM_004572.4); c.253_256delGAGT (NM_004572.3); short protein forms E85fs.
Identifiers: ClinVar variation 188653 (VCV000188653.24), dbSNP rs786204388, ClinGen allele CA012144.

ClinVar aggregate classification (germline): Pathogenic/Likely pathogenic. Review status: criteria provided, multiple submitters, no conflicts (2 of 4 stars). 9 submissions from 9 submitters: Pathogenic (8); Likely pathogenic (1). Last evaluated 2025-09-10.

Conditions:
Cardiovascular phenotype. Identifiers: MedGen CN230736.
Sudden unexplained death. Identifiers: MedGen C0520806.
Arrhythmogenic right ventricular cardiomyopathy (ARVD). Also called: Arrhythmogenic cardiomyopathy; Arrhythmogenic Right Ventricular Cardiomyopathy (ARVC); Cardiomyopathy, ARVC; Arrhythmogenic right ventricular dysplasia. Identifiers: Orphanet 247, MedGen C0349788, MeSH D019571, MONDO:0016587. Disease mechanism: loss of function. Inheritance: Various modes of inheritance.
Cardiomyopathy (CMYO). Also called: Cardiomyopathies. Identifiers: Orphanet 167848, MedGen C0878544, MONDO:0004994, HP:0001638. Inheritance: Various modes of inheritance.
Arrhythmogenic right ventricular dysplasia 9 (ARVD9). Also called: ARRHYTHMOGENIC RIGHT VENTRICULAR DYSPLASIA, FAMILIAL, 9; Arrhythmogenic Right Ventricular Dysplasia/Cardiomyopathy 9. Identifiers: MedGen C1836906, MONDO:0012180, OMIM 609040.

Submissions (9):

GeneDx
Classification: Pathogenic. Last evaluated: 2025-09-10. Review status: criteria provided, single submitter. Criteria: GeneDx Variant Classification Process June 2021. Collection method: clinical testing. Allele origin: germline. Affected: yes.
Comment: Frameshift variant predicted to result in protein truncation or nonsense mediated decay in a gene for which loss of function is a known mechanism of disease; Not observed at significant frequency in large population cohorts (gnomAD); This variant is associated with the following publications: (PMID: 30731207, 27532257, 20400443, 24125834, 26314686, 25820315, 28588093, 26850880, 30790397, 30571190, 32268277, 30700137, 31386562, 31402444, 34135346, no PMID, 35819174, 35536239)

Labcorp Genetics (formerly Invitae), Labcorp
Classification: Pathogenic for Arrhythmogenic right ventricular dysplasia 9. Last evaluated: 2025-05-21. Review status: criteria provided, single submitter. Criteria: Invitae Variant Classification Sherloc (09022015). Collection method: clinical testing. Allele origin: germline.
Comment: This sequence change creates a premature translational stop signal (p.Glu85Metfs*26) in the PKP2 gene. It is expected to result in an absent or disrupted protein product. Loss-of-function variants in PKP2 are known to be pathogenic (PMID: 15489853, 17041889, 23911551). This variant is not present in population databases (gnomAD no frequency). This premature translational stop signal has been observed in individual(s) with arrhythmogenic right ventricular cardiomyopathy and/or those who suffered sudden death (PMID: 20400443, 27532257, 30571190, 30700137). ClinVar contains an entry for this variant (Variation ID: 188653). For these reasons, this variant has been classified as Pathogenic.

Ambry Genetics
Classification: Pathogenic for Cardiovascular phenotype. Last evaluated: 2024-11-04. Review status: criteria provided, single submitter. Criteria: Ambry Variant Classification Scheme 2023. Collection method: clinical testing. Allele origin: germline.
Comment: The c.253_256delGAGT pathogenic mutation, located in coding exon 2 of the PKP2 gene, results from a deletion of 4 nucleotides at nucleotide positions 253 to 256, causing a translational frameshift with a predicted alternate stop codon (p.E85Mfs*26). This alteration has been reported in arrhythmogenic right ventricular cardiomyopathy (ARVC) and sudden cardiac death cohorts (Fressart V et al. Europace, 2010 Jun;12:861-8; Walsh R et al. Genet. Med., 2017 02;19:192-203; Miles C et al. Circulation, 2019 Apr;139:1786-1797). This variant is considered to be rare based on population cohorts in the Genome Aggregation Database (gnomAD). In addition to the clinical data presented in the literature, this alteration is expected to result in loss of function by premature protein truncation or nonsense-mediated mRNA decay. As such, this alteration is interpreted as a disease-causing mutation.

Color Diagnostics, LLC DBA Color Health
Classification: Pathogenic for Cardiomyopathy. Last evaluated: 2024-05-13. Review status: criteria provided, single submitter. Criteria: ACMG Guidelines, 2015. Collection method: clinical testing. Allele origin: germline.
Comment: This variant deletes 4 nucleotides in exon 2 of the PKP2 gene, creating a frameshift and premature translation stop signal. This variant is expected to result in an absent or non-functional protein product. This variant has been reported in multiple individuals affected with or suspected of having arrhythmogenic cardiomyopathy (PMID: 20400443, 24125834, 26743238, 27532257, 28588093, 30678776, 32268277, 38489124). This variant has been identified in 1/251410 chromosomes in the general population by the Genome Aggregation Database (gnomAD). Loss of PKP2 function is a known mechanism of disease. Based on the available evidence, this variant is classified as Pathogenic.

All of Us Research Program, National Institutes of Health
Classification: Pathogenic for Arrhythmogenic right ventricular cardiomyopathy. Last evaluated: 2024-03-21. Review status: criteria provided, single submitter. Criteria: ACMG Guidelines, 2015. Collection method: clinical testing. Allele origin: germline. Inheritance: Autosomal dominant inheritance. Observed: 1 variant allele, 1 heterozygote.
Comment: The c.253_256del (p.Glu85Metfs*26) variant in PKP2 gene, that encodes for plakophilin 2, creates a premature termination codon that is predicted to lead to absent or truncated protein product. This variant has been reported in multiple individuals (>10) affected with arrhythmogenic right ventricular dysplasia/cardiomyopathy (ARVC/D) (PMID:20400443, 24125834, 25820315, 26743238, 26850880, 27532257, 28588093, 30677492, 30790397, 30700137), in two cases of unexplained sudden cardiac death (PMID: 27332903, 30571190) and in two sudden cardiac arrest survivors (PMID: 29884292, 30678776). Loss of function variants are well known to be pathogenic for PKP2 gene (PMID: 23911551, 15489853, 24704780, 29038103, 34120153). Loss of function variants downstream of this variant are reported to be pathogenic in individuals with ARVC (PMID: 25765472) and classified as pathogenic by several ClinVar submitters (ClinVar ID: 1794920, 1454572). This variant was found to be rare (1/251410; 0.0003978%) in the general population database gnomAD and classified as pathogenic by multiple ClinVar submitters (ClinVar ID: 188653). Therefore, the c.253_256del (p.Glu85Metfs*26) variant in PKP2 gene is classified as pathogenic.

This study involves interpretation of variants in research participants for the purpose of population health screening. Participant phenotype was not available at the time of variant classification. Additional details can be found in publication PMID: 35346344, PMCID: PMC8962531

CHEO Genetics Diagnostic Laboratory, Children's Hospital of Eastern Ontario
Classification: Pathogenic for Cardiomyopathy. Last evaluated: 2022-05-09. Review status: criteria provided, single submitter. Criteria: ACMG Guidelines, 2015. Collection method: clinical testing. Allele origin: germline.

Victorian Clinical Genetics Services, Murdoch Childrens Research Institute
Classification: Pathogenic for Arrhythmogenic right ventricular dysplasia 9. Last evaluated: 2022-03-31. Review status: criteria provided, single submitter. Criteria: ACMG Guidelines, 2015. Collection method: clinical testing. Allele origin: germline. Inheritance: Autosomal dominant inheritance.
Comment: Based on the classification scheme VCGS_Germline_v1.3.4, this variant is classified as Pathogenic. Following criteria are met: 0102 - Loss of function is a known mechanism of disease in this gene and is associated with arrhythmogenic right ventricular dysplasia 9 (MIM#609040). (I) 0107 - This gene is associated with autosomal dominant disease. (I) 0112 - The condition associated with this gene has incomplete penetrance (PMIDs: 17010805, 23183494). (I) 0115 - Variants in this gene are known to have variable expressivity (PMIDs: 17010805, 23183494). (I) 0201 - Variant is predicted to cause nonsense-mediated decay (NMD) and loss of protein (premature termination codon is located at least 54 nucleotides upstream of the final exon-exon junction). (SP) 0251 - This variant is heterozygous. (I) 0302 - Variant is present in gnomAD (v2) <0.001 for a dominant condition (1 heterozygote, 0 homozygotes). (SP) 0701 - Other premature termination variants comparable to the one identified in this case have very strong previous evidence for pathogenicity. Many NMD-predicted variants in this gene have been reported as likely pathogenic/pathogenic (ClinVar). (SP) 0801 - This variant has strong previous evidence of pathogenicity in unrelated individuals. It has been reported as likely pathogenic/pathogenic in individuals with arrhythmogenic right ventricular cardiomyopathy or sudden cardiac arrest (ClinVar, PMIDs: 27532257, 30677492, 30678776), and also in asymptomatic individuals (PMIDs: 30678776, 34135346). (SP) 1208 - Inheritance information for this variant is not currently available in this individual. (I) Legend: (SP) - Supporting pathogenic, (I) - Information, (SB) - Supporting benign

Agnes Ginges Centre for Molecular Cardiology, Centenary Institute
Classification: Likely pathogenic for Sudden unexplained death. Last evaluated: 2018-02-09. Review status: criteria provided, single submitter. Criteria: ACMG Guidelines, 2015. Collection method: research. Allele origin: germline. Inheritance: Autosomal dominant inheritance. Affected: yes.
Comment: PKP2 Glu85Metfs*26 has been previously reported in 1 ARVC patient (Fressart V, et al., 2010). The variant is absent from the Genome Aggregation Database. Based on rarity in the general population and because loss of function variants in PKP2 is an established mechanism of disease, we classify PKP2 Glu85Metfs*26 as "likely pathogenic".

Juno Genomics, Hangzhou Juno Genomics, Inc
Classification: Pathogenic for Arrhythmogenic right ventricular dysplasia 9. Review status: criteria provided, single submitter. Criteria: ACMG Guidelines, 2015. Collection method: clinical testing. Allele origin: germline.
Comment: Null variant in a gene where loss of function (LOF) is a known mechanism of disease.;Absent from controls (or at extremely low frequency if recessive) in Genome Aggregation Database.;The prevalence of the variant in affected individuals is significantly increased compared to the prevalence in controls.

Literature cited by the submitters: PubMed 15489853 (cited by Labcorp Genetics (formerly Invitae), Labcorp and All of Us Research Program, National Institutes of Health); PubMed 17041889 (cited by Labcorp Genetics (formerly Invitae), Labcorp); PubMed 23911551 (cited by Labcorp Genetics (formerly Invitae), Labcorp and All of Us Research Program, National Institutes of Health); PubMed 20400443 (cited by 5 submitters); PubMed 27532257 (cited by 5 submitters); PubMed 30571190 (cited by 3 submitters); PubMed 30700137 (cited by 3 submitters); PubMed 30790397 (cited by Ambry Genetics and All of Us Research Program, National Institutes of Health); PubMed 24125834 (cited by Color Diagnostics, LLC DBA Color Health and All of Us Research Program, National Institutes of Health); PubMed 26743238 (cited by Color Diagnostics, LLC DBA Color Health and All of Us Research Program, National Institutes of Health); PubMed 28588093 (cited by Color Diagnostics, LLC DBA Color Health and All of Us Research Program, National Institutes of Health); PubMed 30678776 (cited by 3 submitters); PubMed 32268277 (cited by Color Diagnostics, LLC DBA Color Health); PubMed 38489124 (cited by Color Diagnostics, LLC DBA Color Health); PubMed 24704780 (cited by All of Us Research Program, National Institutes of Health); PubMed 25765472 (cited by All of Us Research Program, National Institutes of Health); PubMed 25820315 (cited by All of Us Research Program, National Institutes of Health); PubMed 26850880 (cited by All of Us Research Program, National Institutes of Health); PubMed 27332903 (cited by All of Us Research Program, National Institutes of Health); PubMed 29038103 (cited by All of Us Research Program, National Institutes of Health); PubMed 29884292 (cited by All of Us Research Program, National Institutes of Health); PubMed 30677492 (cited by All of Us Research Program, National Institutes of Health and Victorian Clinical Genetics Services, Murdoch Childrens Research Institute); PubMed 34120153 (cited by All of Us Research Program, National Institutes of Health); PubMed 17010805 (cited by Victorian Clinical Genetics Services, Murdoch Childrens Research Institute); PubMed 23183494 (cited by Victorian Clinical Genetics Services, Murdoch Childrens Research Institute); PubMed 34135346 (cited by Victorian Clinical Genetics Services, Murdoch Childrens Research Institute).